The following is an entry in ClinVar:

ClinVar aggregate classification (germline): Conflicting classifications of pathogenicity. Review status: criteria provided, conflicting classifications (1 of 4 stars). 6 submissions from 6 submitters: Uncertain significance (1); Likely benign (5). Last evaluated 2026-03-03.

Conditions:
Inborn genetic diseases. Identifiers: MedGen C0950123, MeSH D030342.
Pitt-Hopkins-like syndrome 2 (PTHSL2). Identifiers: Orphanet 221150, Orphanet 600663, MedGen C3280479, MONDO:0013690, OMIM 614325.
NRXN1-related disorder.

Allele frequency attached by ClinVar (database versions not stated): gnomAD exomes 0.00004 and 0.00013; ExAC 0.00019; gnomAD 0.00050 and 0.00053; TOPMed 0.00060; ESP Exome Variant Server 0.00062; 1000 Genomes Project 0.00080; 1000 Genomes Project 30x 0.00125.
gnomAD v4.1: 148 of 1,612,234 alleles (0.0092%); highest among the groups gnomAD compares: African/African-American, 0.16%; no homozygotes.

Submissions (6):

PreventionGenetics, part of Exact Sciences
Classification: Likely benign for NRXN1-related condition. Last evaluated: 2026-03-03. Review status: criteria provided, single submitter. Criteria: ACMG Guidelines, 2015. Collection method: clinical testing. Allele origin: germline.
Comment: This variant is classified as likely benign based on ACMG/AMP sequence variant interpretation guidelines (Richards et al. 2015 PMID: 25741868, with internal and published modifications).

Labcorp Genetics (formerly Invitae), Labcorp
Classification: Likely benign for Pitt-Hopkins-like syndrome 2. Last evaluated: 2026-02-02. Review status: criteria provided, single submitter. Criteria: Invitae Variant Classification Sherloc (09022015). Collection method: clinical testing. Allele origin: germline.

Blueprint Genetics
Classification: Likely benign. Last evaluated: 2022-11-24. Review status: criteria provided, single submitter. Criteria: ACMG Guidelines, 2015. Collection method: clinical testing. Allele origin: germline.

GeneDx
Classification: Likely benign. Last evaluated: 2021-09-24. Review status: criteria provided, single submitter. Criteria: GeneDx Variant Classification Process June 2021. Collection method: clinical testing. Allele origin: germline. Affected: yes.

Ambry Genetics
Classification: Likely benign for Inborn genetic diseases. Last evaluated: 2016-08-25. Review status: criteria provided, single submitter. Criteria: Ambry Variant Classification Scheme 2023. Collection method: clinical testing. Allele origin: germline.

Genetic Services Laboratory, University of Chicago
Classification: Uncertain significance. Last evaluated: 2015-04-23. Review status: criteria provided, single submitter. Criteria: ACMG Guidelines, 2015. Collection method: clinical testing. Allele origin: germline.

NM_001330078.2(NRXN1):c.4167C>G (p.Pro1389=)

Gene: NRXN1 (neurexin 1; minus strand). Cytogenetic location: 2p16.3.
Variant type: single nucleotide variant.
Coding change: c.4167C>G on transcript NM_001330078.2 (MANE Select); coding-DNA position 4167, C replaced by G.
Protein change: p.Pro1389=; no amino-acid change (proline 1389 retained).
Molecular consequence: synonymous variant.
Genome position (GRCh38, 1-based): chr2:49,943,753, G>C on the plus strand (C>G on the coding strand, the complement: NRXN1 is on the minus strand). VCF-style: chr2-49943753-G-C. GRCh37 (hg19) VCF-style: chr2-50170891-G-C.
Other names: c.4077C>G, p.Pro1359= (NM_004801.6); c.972C>G, p.Pro324= (NM_138735.5, NM_001330097.2); c.4287C>G, p.Pro1429= (NM_001135659.3); c.72C>G, p.Pro24= (NM_001320156.4, NM_001320157.4); c.4143C>G, p.Pro1381= (NM_001330077.2, NM_001330082.2); c.4011C>G, p.Pro1337= (NM_001330083.2); c.4101C>G, p.Pro1367= (NM_001330084.2); c.4140C>G, p.Pro1380= (NM_001330085.2); and 8 more.
Identifiers: ClinVar variation 211692 (VCV000211692.25), dbSNP rs143446587, ClinGen allele CA209189.
Genomic context (GRCh38, chr2:49,943,753, plus strand): 5'-AGTTGACTAACCTAACCCACCTGAGCTCGGCTCACAGGGGTCAATGTCCTCATCATCGCT[G>C]GGACACTCTGCTGAGGCCACAAGGATGTCATCTGTGGTCTGCAAAAGAATCACATTCAGT-3'
Protein context (NP_001317007.1, residues 1379-1399): DDILVASAEC[Pro1389=]SDDEDIDPCE